The following is an entry in ClinVar:

ClinVar aggregate classification (germline): Benign/Likely benign. Review status: criteria provided, multiple submitters, no conflicts (2 of 4 stars). 11 submissions from 11 submitters: Benign (3); Likely benign (6). 2 of the submissions do not count toward it. Last evaluated 2026-01-20.

Conditions:
Familial adenomatous polyposis 1 (FAP1). Also called: FAMILIAL ADENOMATOUS POLYPOSIS 1, ATTENUATED; POLYPOSIS, ADENOMATOUS INTESTINAL. Identifiers: MedGen C2713442, MONDO:0021056, OMIM 175100. Disease mechanism: loss of function.
Classic or attenuated familial adenomatous polyposis. Identifiers: MedGen CN372698, MONDO:0021057.
APC-related disorder. Also called: APC-related condition.
Hereditary cancer-predisposing syndrome. Also called: Tumor predisposition; Hereditary neoplastic syndrome; Neoplastic Syndromes, Hereditary; Hereditary Cancer Syndrome. Identifiers: Orphanet 140162, MedGen C0027672, MeSH D009386, MONDO:0015356.

Allele frequency attached by ClinVar (database versions not stated): gnomAD 0.00001 and 0.00003; gnomAD exomes 0.00006 and 0.00009; ExAC 0.00016.
gnomAD v4.1: 87 of 1,613,190 alleles (0.0054%); highest among the groups gnomAD compares: South Asian, 0.034%; no homozygotes.

Submissions (11):

Labcorp Genetics (formerly Invitae), Labcorp
Classification: Benign for Familial adenomatous polyposis 1. Last evaluated: 2026-01-20. Review status: criteria provided, single submitter. Criteria: Invitae Variant Classification Sherloc (09022015). Collection method: clinical testing. Allele origin: germline.

Center for Genomic Medicine, Rigshospitalet, Copenhagen University Hospital
Classification: Likely benign. Last evaluated: 2025-12-29. Review status: criteria provided, single submitter. Criteria: ACMG Guidelines, 2015. Collection method: clinical testing. Allele origin: germline.
Comment: Classification criteria: BS1

All of Us Research Program, National Institutes of Health
Classification: Likely benign for Classic or attenuated familial adenomatous polyposis. Last evaluated: 2024-01-11. Review status: criteria provided, single submitter. Criteria: ACMG Guidelines, 2015. Collection method: clinical testing. Allele origin: germline. Inheritance: Autosomal dominant inheritance. Observed: 4 variant alleles, 4 heterozygotes.
Comment: This study involves interpretation of variants in research participants for the purpose of population health screening. Participant phenotype was not available at the time of variant classification. Additional details can be found in publication PMID: 35346344, PMCID: PMC8962531

Women's Health and Genetics/Laboratory Corporation of America, LabCorp
Classification: Benign. Last evaluated: 2023-08-31. Review status: criteria provided, single submitter. Criteria: LabCorp Variant Classification Summary - May 2015. Collection method: clinical testing. Allele origin: germline.
Comment: Variant summary: APC c.597G>A alters a conserved nucleotide resulting in a synonymous change. Consensus agreement among computation tools predict no significant impact on normal splicing. However, these predictions have yet to be confirmed by functional studies. The variant allele was found at a frequency of 8.8e-05 in 250624 control chromosomes. The observed variant frequency is approximately 1.23 fold of the estimated maximal expected allele frequency for a pathogenic variant in APC causing Familial Adenomatous Polyposis phenotype (7.1e-05), strongly suggesting that the variant is benign. To our knowledge, no occurrence of c.597G>A in individuals affected with Familial Adenomatous Polyposis and no experimental evidence demonstrating its impact on protein function have been reported. Seven submitters have cited clinical-significance assessments for this variant to ClinVar after 2014. All submitters classified the variant as benign/likely benign. Based on the evidence outlined above, the variant was classified as benign.

KCCC/NGS Laboratory, Kuwait Cancer Control Center
Classification: Likely benign for Familial adenomatous polyposis 1. Last evaluated: 2023-07-07. Review status: criteria provided, single submitter. Criteria: ACMG Guidelines, 2015. Collection method: clinical testing. Allele origin: germline. Affected: yes.

Myriad Genetics, Inc.
Classification: Benign for Familial adenomatous polyposis 1. Last evaluated: 2023-02-21. Review status: criteria provided, single submitter. Criteria: Myriad Autosomal Dominant, Autosomal Recessive and X-Linked Classification Criteria (2023). Collection method: clinical testing. Allele origin: unknown.
Comment: This variant is considered benign. This variant is a silent/synonymous amino acid change and it is not expected to impact splicing.

Color Diagnostics, LLC DBA Color Health
Classification: Likely benign for Hereditary cancer-predisposing syndrome. Last evaluated: 2017-10-06. Review status: criteria provided, single submitter. Criteria: ACMG Guidelines, 2015. Collection method: clinical testing. Allele origin: germline.

GeneDx
Classification: Likely benign. Last evaluated: 2016-08-16. Review status: criteria provided, single submitter. Criteria: GeneDx Variant Classification (06012015). Collection method: clinical testing. Allele origin: germline. Affected: yes.
Comment: This variant is considered likely benign or benign based on one or more of the following criteria: it is a conservative change, it occurs at a poorly conserved position in the protein, it is predicted to be benign by multiple in silico algorithms, and/or has population frequency not consistent with disease.

Ambry Genetics
Classification: Likely benign for Hereditary cancer-predisposing syndrome. Last evaluated: 2015-05-21. Review status: criteria provided, single submitter. Criteria: Ambry Variant Classification Scheme 2023. Collection method: clinical testing. Allele origin: germline.

PreventionGenetics, part of Exact Sciences
Classification: Likely benign for APC-related condition. Last evaluated: 2019-05-29. Review status: no assertion criteria provided. Collection method: clinical testing. Allele origin: germline. Not counted in ClinVar's aggregate classification.
Comment: This variant is classified as likely benign based on ACMG/AMP sequence variant interpretation guidelines (Richards et al. 2015 PMID: 25741868, with internal and published modifications).

Counsyl
Classification: Likely benign for Familial adenomatous polyposis 1. Last evaluated: 2016-01-27. Review status: no assertion criteria provided. Collection method: clinical testing. Allele origin: unknown. Not counted in ClinVar's aggregate classification.

NM_000038.6(APC):c.597G>A (p.Ala199=)

Gene: APC (APC regulator of Wnt signaling pathway; plus strand). Cytogenetic location: 5q22.2.
Variant type: single nucleotide variant.
Coding change: c.597G>A on transcript NM_000038.6 (MANE Select); coding-DNA position 597, G replaced by A.
Protein change: p.Ala199=; no amino-acid change (alanine 199 retained).
Molecular consequence: synonymous variant. On other transcripts: 5 prime UTR variant (1).
Genome position (GRCh38, 1-based): chr5:112,780,855, G>A. VCF-style: chr5-112780855-G-A. GRCh37 (hg19) VCF-style: chr5-112116552-G-A.
Other names: c.597G>A, p.Ala199= (NM_001127510.3, NM_001354895.2, NM_001354896.2 and 2 more transcripts); c.627G>A, p.Ala209= (NM_001127511.3, NM_001354897.2, NM_001354902.2); c.522G>A, p.Ala174= (NM_001354898.2, NM_001354904.2); c.420G>A, p.Ala140= (NM_001354900.2, NM_001354901.2, NM_001354905.2); c.-439G>A (NM_001354906.2).
Identifiers: ClinVar variation 135710 (VCV000135710.25), dbSNP rs587780601, ClinGen allele CA010837.